The following is an entry in ClinVar:

ClinVar aggregate classification (germline): Uncertain significance. Review status: criteria provided, multiple submitters, no conflicts (2 of 4 stars). 2 submissions from 2 submitters: Uncertain significance (2). Last evaluated 2023-11-08.

Conditions:
Hereditary cancer-predisposing syndrome. Also called: Tumor predisposition; Hereditary neoplastic syndrome; Hereditary Cancer Syndrome; Neoplastic Syndromes, Hereditary. Identifiers: Orphanet 140162, MedGen C0027672, MeSH D009386, MONDO:0015356.
Familial adenomatous polyposis 1 (FAP1). Also called: POLYPOSIS, ADENOMATOUS INTESTINAL; FAMILIAL ADENOMATOUS POLYPOSIS 1, ATTENUATED. Identifiers: MedGen C2713442, MONDO:0021056, OMIM 175100. Disease mechanism: loss of function.

gnomAD v4.1: 1 of 1,614,164 alleles (0.000062%); highest among the groups gnomAD compares: Admixed American, 0.0017%; no homozygotes.

Submissions (2):

Ambry Genetics
Classification: Uncertain significance for Hereditary cancer-predisposing syndrome. Last evaluated: 2023-11-08. Review status: criteria provided, single submitter. Criteria: Ambry Variant Classification Scheme 2023. Collection method: clinical testing. Allele origin: germline.
Comment: The p.S1341I variant (also known as c.4022G>T), located in coding exon 15 of the APC gene, results from a G to T substitution at nucleotide position 4022. The serine at codon 1341 is replaced by isoleucine, an amino acid with dissimilar properties. This amino acid position is conserved. In addition, in silico predictors for this gene do not accurately predict pathogenicity. Since supporting evidence is limited at this time, the clinical significance of this alteration remains unclear.

Labcorp Genetics (formerly Invitae), Labcorp
Classification: Uncertain significance for Familial adenomatous polyposis 1. Last evaluated: 2020-10-10. Review status: criteria provided, single submitter. Criteria: Invitae Variant Classification Sherloc (09022015). Collection method: clinical testing. Allele origin: germline.
Comment: This variant is not present in population databases (ExAC no frequency). This sequence change replaces serine with isoleucine at codon 1341 of the APC protein (p.Ser1341Ile). The serine residue is weakly conserved and there is a large physicochemical difference between serine and isoleucine. This variant has not been reported in the literature in individuals with APC-related conditions. In summary, the available evidence is currently insufficient to determine the role of this variant in disease. Therefore, it has been classified as a Variant of Uncertain Significance. Algorithms developed to predict the effect of missense changes on protein structure and function are either unavailable or do not agree on the potential impact of this missense change (SIFT: "Deleterious"; PolyPhen-2: "Benign"; Align-GVGD: "Class C0").

NM_000038.6(APC):c.4022G>T (p.Ser1341Ile)

Gene: APC (APC regulator of Wnt signaling pathway; plus strand). Cytogenetic location: 5q22.2.
Variant type: single nucleotide variant.
Coding change: c.4022G>T on transcript NM_000038.6 (MANE Select); coding-DNA position 4022, G replaced by T.
Protein change: p.Ser1341Ile; replaces serine 1341 with isoleucine.
Molecular consequence: missense variant.
Genome position (GRCh38, 1-based): chr5:112,839,616, G>T. VCF-style: chr5-112839616-G-T. GRCh37 (hg19) VCF-style: chr5-112175313-G-T.
Other names: c.4022G>T, p.Ser1341Ile (NM_001127510.3, NM_001354895.2); c.3968G>T, p.Ser1323Ile (NM_001127511.3); c.4076G>T, p.Ser1359Ile (NM_001354896.2); c.4052G>T, p.Ser1351Ile (NM_001354897.2); c.3947G>T, p.Ser1316Ile (NM_001354898.2); c.3938G>T, p.Ser1313Ile (NM_001354899.2); c.3899G>T, p.Ser1300Ile (NM_001354900.2); c.3845G>T, p.Ser1282Ile (NM_001354901.2); and 6 more; short protein forms S1058I, S1181I, S1215I, S1240I, S1250I, S1282I, S1300I, S1313I.
Identifiers: ClinVar variation 1050860 (VCV001050860.11), dbSNP rs1218402215, ClinGen allele CA16030148.